The following is an entry in ClinVar:

ClinVar aggregate classification (germline): Pathogenic (1 of 4 stars; one submission).

Conditions:
Nemaline myopathy 2 (NEM2). Also called: Nemaline myopathy 2, autosomal recessive. Identifiers: MedGen C1850569, MONDO:0009725, OMIM 256030.

Allele frequency attached by ClinVar (database versions not stated): TOPMed below 0.00001.

Submission:

Labcorp Genetics (formerly Invitae), Labcorp
Classification: Pathogenic for Nemaline myopathy 2. Last evaluated: 2025-01-07. Review status: criteria provided, single submitter. Criteria: Invitae Variant Classification Sherloc (09022015). Collection method: clinical testing. Allele origin: germline.
Comment: This sequence change creates a premature translational stop signal (p.Tyr1749Asnfs*23) in the NEB gene. It is expected to result in an absent or disrupted protein product. Loss-of-function variants in NEB are known to be pathogenic (PMID: 25205138). This variant is not present in population databases (gnomAD no frequency). This variant has not been reported in the literature in individuals affected with NEB-related conditions. ClinVar contains an entry for this variant (Variation ID: 846712). For these reasons, this variant has been classified as Pathogenic.

Literature cited by the submitters: PubMed 25205138.

NM_001164508.2(NEB):c.5245_5254del (p.Tyr1749fs)

Gene: NEB (nebulin; minus strand). Cytogenetic location: 2q23.3.
Variant type: Deletion.
Coding change: c.5245_5254del on transcript NM_001164508.2 (MANE Select); coding-DNA positions 5245 to 5254, 10 bases deleted (TACACTGAAA; older notation c.5245_5254delTACACTGAAA).
Protein change: p.Tyr1749fs; shifts the reading frame from tyrosine 1749.
Molecular consequence: frameshift variant.
Genome position (GRCh38, 1-based): chr2:151,664,848-151,664,857, TTTCAGTGTA deleted on the plus strand (TACACTGAAA on the coding strand, the reverse complement: NEB is on the minus strand). VCF-style (leftmost placement, unchanged base first): chr2-151664847-TTTTCAGTGTA-T. GRCh37 (hg19) VCF-style: chr2-152521361-TTTTCAGTGTA-T.
Other names: c.5245_5254del, p.Tyr1749fs (NM_001164507.2, NM_001271208.2, NM_004543.5); short protein forms Y1749fs.
Identifiers: ClinVar variation 846712 (VCV000846712.7), dbSNP rs2099191297, ClinGen allele CA916080288.